The following is an entry in ClinVar:

ClinVar aggregate classification (germline): Pathogenic. Review status: criteria provided, multiple submitters, no conflicts (2 of 4 stars). 13 submissions from 13 submitters: Pathogenic (9). 4 of the submissions do not count toward it. Last evaluated 2025-10-27.

Conditions:
Mucopolysaccharidosis, MPS-II (MPS2). Also called: IDS deficiency; Sulfoiduronate sulfatase deficiency; SIDS deficiency; IDURONATE 2-SULFATASE DEFICIENCY; Mucopolysaccharidosis Type II; Mucopolysaccharidosis type 2. Identifiers: Orphanet 580, Orphanet 79388, MedGen C0026705, MONDO:0010674, OMIM 309900.

Submissions (13):

Medical Genetic Diagnosis and Therapy Center, Fujian Medical University
Classification: Pathogenic for Mucopolysaccharidosis, MPS-II. Last evaluated: 2025-10-27. Review status: criteria provided, single submitter. Criteria: ACMG Guidelines, 2015. Collection method: clinical testing. Allele origin: germline. Affected: yes.
Comment: P: PS4+PM1+PM2+PM5+PP3. This variant has been reported in the following publication(s): [1] Zhong L, Gao X, Wang Y, et al. Clinical characteristics and genotypes of 201 patients with mucopolysaccharidosis type II in China: A retrospective, observational study[J]. Clinical Genetics, 2023, 103(6): 655-662. [2] Lin C Y, Lin H Y, Chuang C K, et al. Effect of mutated ids overexpression on ids enzyme activity and developmental phenotypes in zebrafish embryos: A valuable index for assessing critical point-mutations associated with mucopolysaccharidosis type II occurrence in humans[J]. Diagnostics, 2020, 10(10): 854.

Laboratory of Diagnosis and Therapy of Lysosomal Disorders, University of Padova
Classification: Pathogenic for Mucopolysaccharidosis, MPS-II. Last evaluated: 2024-06-07. Review status: criteria provided, single submitter. Criteria: ACMG Guidelines, 2015. Collection method: literature only. Allele origin: germline. Affected: yes. Observed: 64 variant alleles.
Comment: In vitro or in vivo functional studies supportive of a damaging effect (PS3_Strong), Prevalence of the variant significantly increased in affected individuals compared with controls (PS4_Strong), Absent from controls (or at low frequency) in gnomAD database (PM2_Moderate), Missense variant in a gene with a low rate of benign missense variation (PP2_Supporting), Multiple lines of computational evidence support a deleterious effect (PP3_Supporting), Patient’s phenotype or family history highly specific for the disease (PP4_Moderate)

Classification method: ACMG Guidelines [PMID:25741868] with modifications

Labcorp Genetics (formerly Invitae), Labcorp
Classification: Pathogenic for Mucopolysaccharidosis, MPS-II. Last evaluated: 2023-12-29. Review status: criteria provided, single submitter. Criteria: Invitae Variant Classification Sherloc (09022015). Collection method: clinical testing. Allele origin: germline.
Comment: This sequence change replaces serine, which is neutral and polar, with leucine, which is neutral and non-polar, at codon 333 of the IDS protein (p.Ser333Leu). This variant is not present in population databases (gnomAD no frequency). This missense change has been observed in individual(s) with mucopolysaccharidosis type II (MPS II) (PMID: 1639384, 28543354, 30639582; Invitae). ClinVar contains an entry for this variant (Variation ID: 10487). Advanced modeling of protein sequence and biophysical properties (such as structural, functional, and spatial information, amino acid conservation, physicochemical variation, residue mobility, and thermodynamic stability) performed at Invitae indicates that this missense variant is expected to disrupt IDS protein function with a positive predictive value of 80%. Experimental studies have shown that this missense change affects IDS function (PMID: 17091340, 28543354). For these reasons, this variant has been classified as Pathogenic.

GeneDx
Classification: Pathogenic. Last evaluated: 2022-10-05. Review status: criteria provided, single submitter. Criteria: GeneDx Variant Classification Process June 2021. Collection method: clinical testing. Allele origin: germline. Affected: yes.
Comment: Published functional studies with S333L transfected into CHO, HEK293T, and COS-7 cells indicate a severe impairment of protein function (Sukegawa-Hayasaka et al., 2006; Vollebregt et al., 2017; Lin et al., 2019); In silico analysis, which includes protein predictors and evolutionary conservation, supports a deleterious effect; Not observed in large population cohorts (gnomAD); This variant is associated with the following publications: (PMID: 16495038, 9921913, 9660053, 27246110, 1639384, 27695081, 30548430, 30639582, 9950361, 27896113, 27883178, 8830188, 28543354, 9875019, 21291454, 21829674, 33676511, 31877959, 34258227, 35144014, 17091340, 24125893)

Genome-Nilou Lab
Classification: Pathogenic for Mucopolysaccharidosis, MPS-II. Last evaluated: 2021-09-05. Review status: criteria provided, single submitter. Criteria: ACMG Guidelines, 2015. Collection method: clinical testing. Allele origin: germline. Affected: no.

Eurofins Ntd Llc (ga)
Classification: Pathogenic. Last evaluated: 2013-08-29. Review status: criteria provided, single submitter. Criteria: EGL Classification Definitions. Collection method: clinical testing. Allele origin: germline. Observed: 4 variant alleles, 1 heterozygote, 1 homozygote, 2 hemizygotes.

IIFP, CONICET-UNLP
Classification: Pathogenic for Mucopolysaccharidosis, MPS-II. Last evaluated: 2010-04-16. Review status: criteria provided, single submitter. Criteria: ACMG Guidelines, 2007. Collection method: research. Allele origin: maternal. Inheritance: X-linked inheritance. Affected: yes. Observed: 2 variant alleles.

Department of Medical Genetics, Sanjay Gandhi Post Graduate Institute of Medical Sciences
Classification: Pathogenic for Mucopolysaccharidosis, MPS-II. Review status: criteria provided, single submitter. Criteria: ACMG Guidelines, 2015. Collection method: clinical testing. Allele origin: germline. Inheritance: X-linked recessive inheritance. Affected: yes. Observed: 4 variant alleles, 4 hemizygotes. Clinical features observed: Motor delay (HP:0001270), Coarse facial features (HP:0000280), Depressed nasal bridge (HP:0005280), Short stature (HP:0004322), Macrocephaly (HP:0000256), Sleep apnea (HP:0010535), Abnormal heart valve morphology (HP:0001654), Cardiomyopathy (HP:0001638), Umbilical hernia (HP:0001537), Hepatosplenomegaly (HP:0001433), Dysostosis multiplex (HP:0000943), Flexion contracture (HP:0001371), and 1 more.

Neuberg Centre For Genomic Medicine, NCGM
Classification: Pathogenic for Mucopolysaccharidosis, MPS-II. Review status: criteria provided, single submitter. Criteria: ACMG Guidelines, 2015. Collection method: clinical testing. Allele origin: germline. Inheritance: Autosomal recessive inheritance. Affected: yes.
Comment: The missense variant c.998C>Tp.Ser333Leu in IDS gene has been reported previously in hemizygous state in most of the individuals with mucopolysaccharidosis type II. Experimental studies have shown that this missense change affects IDS function Sukegawa-Hayasaka K, et al., 2006, Vollebregt AAM, et al., 2017. The variant is novel not in any individuals in gnomAD Exomes and 1000 Genomes. This variant has been reported to the ClinVar database as Pathogenic multiple submissions.The amino acid Serine at position 333 is changed to a Leucine changing protein sequence and it might alter its composition and physico-chemical properties. The variant is predicted to be damaging by SIFT. The amino acid change p.Ser333Leu in IDS is predicted as conserved by GERP++ and PhyloP across 100 vertebrates. For these reasons, this variant has been classified as Pathogenic.

Division of Medical Genetics, Department of Pediatrics, All India Institute of Medical Sciences, New Delhi
Classification: Affects for Mucopolysaccharidosis, MPS-II. Last evaluated: 2014-04-07. Review status: no assertion criteria provided. Collection method: research. Allele origin: germline. Inheritance: X-linked recessive inheritance. Affected: yes. Observed: 1 variant allele, 1 hemizygote. Not counted in ClinVar's aggregate classification.
Comment: The change c.998C>T (p.S333L) was found to be a missense variant, where the hydroxyl-containing polar neutral amino acid Serine at 333 position was substituted by aliphatic nonpolar neutral amino acid Leucine.

OMIM
Classification: Pathogenic for MUCOPOLYSACCHARIDOSIS, TYPE II. Last evaluated: 1992-07-01. Review status: no assertion criteria provided. Collection method: literature only. Allele origin: germline. Not counted in ClinVar's aggregate classification.

Developmental and Behavioral Pediatrics, First Affiliated Hospital of Jilin University
Classification: Pathogenic for Mucopolysaccharidosis, MPS-II. Review status: no assertion criteria provided. Collection method: provider interpretation. Allele origin: maternal. Inheritance: X-linked inheritance. Affected: yes. Not counted in ClinVar's aggregate classification.

GeneReviews
No classification provided. Condition: Mucopolysaccharidosis, MPS-II. Review status: no classification provided. Collection method: literature only. Allele origin: germline. Not counted in ClinVar's aggregate classification.

Literature cited by the submitters: PubMed 36945845 (cited by Medical Genetic Diagnosis and Therapy Center, Fujian Medical University and Laboratory of Diagnosis and Therapy of Lysosomal Disorders, University of Padova); 33096603 (cited by Medical Genetic Diagnosis and Therapy Center, Fujian Medical University); PubMed 35144014 (cited by Laboratory of Diagnosis and Therapy of Lysosomal Disorders, University of Padova); PubMed 27351199 (cited by Laboratory of Diagnosis and Therapy of Lysosomal Disorders, University of Padova); PubMed 27896113 (cited by Laboratory of Diagnosis and Therapy of Lysosomal Disorders, University of Padova); PubMed 24125893 (cited by Laboratory of Diagnosis and Therapy of Lysosomal Disorders, University of Padova); PubMed 27883178 (cited by Laboratory of Diagnosis and Therapy of Lysosomal Disorders, University of Padova); PubMed 1639384 (cited by 3 submitters); PubMed 9660053 (cited by Laboratory of Diagnosis and Therapy of Lysosomal Disorders, University of Padova); PubMed 35005816 (cited by Laboratory of Diagnosis and Therapy of Lysosomal Disorders, University of Padova); PubMed 8111411 (cited by Laboratory of Diagnosis and Therapy of Lysosomal Disorders, University of Padova); PubMed 9501270 (cited by Laboratory of Diagnosis and Therapy of Lysosomal Disorders, University of Padova); PubMed 7887413 (cited by Laboratory of Diagnosis and Therapy of Lysosomal Disorders, University of Padova); PubMed 33960103 (cited by Laboratory of Diagnosis and Therapy of Lysosomal Disorders, University of Padova); PubMed 9921913 (cited by Laboratory of Diagnosis and Therapy of Lysosomal Disorders, University of Padova); PubMed 27246110 (cited by Laboratory of Diagnosis and Therapy of Lysosomal Disorders, University of Padova); PubMed 8830188 (cited by Laboratory of Diagnosis and Therapy of Lysosomal Disorders, University of Padova); PubMed 9950361 (cited by Laboratory of Diagnosis and Therapy of Lysosomal Disorders, University of Padova); PubMed 31877959 (cited by Laboratory of Diagnosis and Therapy of Lysosomal Disorders, University of Padova); PubMed 16495038 (cited by Laboratory of Diagnosis and Therapy of Lysosomal Disorders, University of Padova); PubMed 8566953 (cited by Laboratory of Diagnosis and Therapy of Lysosomal Disorders, University of Padova); PubMed 14728992 (cited by Laboratory of Diagnosis and Therapy of Lysosomal Disorders, University of Padova); PubMed 15500445 (cited by Laboratory of Diagnosis and Therapy of Lysosomal Disorders, University of Padova); PubMed 8940265 (cited by Laboratory of Diagnosis and Therapy of Lysosomal Disorders, University of Padova); PubMed 33676511 (cited by Laboratory of Diagnosis and Therapy of Lysosomal Disorders, University of Padova); PubMed 21291454 (cited by Laboratory of Diagnosis and Therapy of Lysosomal Disorders, University of Padova); PubMed 7581397 (cited by Laboratory of Diagnosis and Therapy of Lysosomal Disorders, University of Padova); PubMed 9875019 (cited by Laboratory of Diagnosis and Therapy of Lysosomal Disorders, University of Padova); PubMed 28543354 (cited by Laboratory of Diagnosis and Therapy of Lysosomal Disorders, University of Padova and Labcorp Genetics (formerly Invitae), Labcorp); PubMed 34258227 (cited by Laboratory of Diagnosis and Therapy of Lysosomal Disorders, University of Padova); PubMed 21829674 (cited by Laboratory of Diagnosis and Therapy of Lysosomal Disorders, University of Padova); PubMed 30639582 (cited by Laboratory of Diagnosis and Therapy of Lysosomal Disorders, University of Padova and Labcorp Genetics (formerly Invitae), Labcorp); PubMed 36713083 (cited by Laboratory of Diagnosis and Therapy of Lysosomal Disorders, University of Padova); PubMed 17091340 (cited by Labcorp Genetics (formerly Invitae), Labcorp); DOI 10.1016/j.ymgmr.2014.08.006 (cited by IIFP, CONICET-UNLP); NCBI Bookshelf NBK1274 (cited by GeneReviews); PubMed 20301451 (cited by GeneReviews).

NM_000202.8(IDS):c.998C>T (p.Ser333Leu)

Genes: IDS (iduronate 2-sulfatase; minus strand), LOC106050102 (IDS recombination region; plus strand). Cytogenetic location: Xq28.
Variant type: single nucleotide variant.
Coding change: c.998C>T on transcript NM_000202.8 (MANE Select); coding-DNA position 998, C replaced by T.
Protein change: p.Ser333Leu; replaces serine 333 with leucine.
Molecular consequence: missense variant. On other transcripts: non-coding transcript variant (1).
Genome position (GRCh38, 1-based): chrX:149,490,322, G>A on the plus strand (C>T on the coding strand, the complement: IDS is on the minus strand). VCF-style: chrX-149490322-G-A. GRCh37 (hg19) VCF-style: chrX-148571853-G-A.
Other names: c.728C>T, p.Ser243Leu (NM_001166550.4); c.998C>T, p.Ser333Leu (NM_006123.5); c.998C>T (NM_000202.4); short protein forms S333L, S243L.
Identifiers: ClinVar variation 10487 (VCV000010487.45), dbSNP rs104894853, ClinGen allele CA340987.